The following is an entry in ClinVar:

NM_001303256.3(MORC2):c.1558C>T (p.Pro520Ser)

Gene: MORC2 (MORC family CW-type zinc finger 2; minus strand). Cytogenetic location: 22q12.2.
Variant type: single nucleotide variant.
Coding change: c.1558C>T on transcript NM_001303256.3 (MANE Select); coding-DNA position 1558, C replaced by T.
Protein change: p.Pro520Ser; replaces proline 520 with serine.
Molecular consequence: missense variant.
Genome position (GRCh38, 1-based): chr22:30,936,978, G>A on the plus strand (C>T on the coding strand, the complement: MORC2 is on the minus strand). VCF-style: chr22-30936978-G-A. GRCh37 (hg19) VCF-style: chr22-31332965-G-A.
Other names: c.1558C>T, p.Pro520Ser (NM_001303257.2); c.1372C>T, p.Pro458Ser (NM_014941.3); short protein forms P520S, P458S.
Identifiers: ClinVar variation 542276 (VCV000542276.7), dbSNP rs1555938391, ClinGen allele CA411237494.

ClinVar aggregate classification (germline): Uncertain significance (1 of 4 stars; one submission).

Conditions:
Charcot-Marie-Tooth disease axonal type 2Z. Also called: CHARCOT-MARIE-TOOTH DISEASE, AXONAL, AUTOSOMAL DOMINANT, TYPE 2Z; CHARCOT-MARIE-TOOTH NEUROPATHY, TYPE 2Z. Identifiers: Orphanet 466768, MedGen C5569025, MONDO:0014736, OMIM 616688.

Submission:

Labcorp Genetics (formerly Invitae), Labcorp
Classification: Uncertain significance for Charcot-Marie-Tooth disease axonal type 2Z. Last evaluated: 2017-10-03. Review status: criteria provided, single submitter. Criteria: Invitae Variant Classification Sherloc (09022015). Collection method: clinical testing. Allele origin: germline.
Comment: In summary, the available evidence is currently insufficient to determine the role of this variant in disease. Therefore, it has been classified as a Variant of Uncertain Significance. This sequence change replaces proline with serine at codon 458 of the MORC2 protein (p.Pro458Ser). The proline residue is highly conserved and there is a moderate physicochemical difference between proline and serine. This variant is not present in population databases (ExAC no frequency). This variant has not been reported in the literature in individuals with MORC2-related disease. Algorithms developed to predict the effect of missense changes on protein structure and function do not agree on the potential impact of this missense change (SIFT: "Tolerated"; PolyPhen-2: "Probably Damaging"; Align-GVGD: "Class C25").